The following is an entry in ClinVar:

ClinVar aggregate classification (germline): Benign/Likely benign. Review status: criteria provided, multiple submitters, no conflicts (2 of 4 stars). 7 submissions from 7 submitters: Benign (3); Likely benign (3). 1 of the submissions does not count toward it. Last evaluated 2026-09-01.

Conditions:
Hyperphosphatasia with impaired intellectual development syndrome 2. Also called: Hyperphosphatasia with intellectual disability syndrome 2; GLYCOSYLPHOSPHATIDYLINOSITOL BIOSYNTHESIS DEFECT 6. Identifiers: Orphanet 247262, MedGen C3553637, MONDO:0013882, OMIM 614749.
PIGO-related disorder. Also called: PIGO-related condition.

Allele frequency attached by ClinVar (database versions not stated): TOPMed 0.00416; ExAC 0.00547; 1000 Genomes Project 0.00180; gnomAD 0.00557 and 0.00520; 1000 Genomes Project 30x 0.00172; gnomAD exomes 0.00510; ESP Exome Variant Server 0.00538.

Submissions (7):

CeGaT Center for Human Genetics Tuebingen
Classification: Likely benign. Last evaluated: 2026-09-01. Review status: criteria provided, single submitter. Criteria: CeGaT Center For Human Genetics Tuebingen Variant Classification Criteria Version 2. Collection method: clinical testing. Allele origin: germline. Affected: yes. Observed: 23 variant alleles.
Comment: PIGO: BP4, BP7, BS2

Labcorp Genetics (formerly Invitae), Labcorp
Classification: Benign for Hyperphosphatasia with impaired intellectual development syndrome 2. Last evaluated: 2026-02-03. Review status: criteria provided, single submitter. Criteria: Invitae Variant Classification Sherloc (09022015). Collection method: clinical testing. Allele origin: germline.

Athena Diagnostics
Classification: Benign. Last evaluated: 2018-01-23. Review status: criteria provided, single submitter. Criteria: Athena Diagnostics Criteria. Collection method: clinical testing. Allele origin: germline.

Illumina Laboratory Services, Illumina
Classification: Likely benign for Hyperphosphatasia with impaired intellectual development syndrome 2. Last evaluated: 2018-01-12. Review status: criteria provided, single submitter. Criteria: ICSL Variant Classification Criteria 13 December 2019. Collection method: clinical testing. Allele origin: germline.
Comment: This variant was observed in the ICSL laboratory as part of a predisposition screen in an ostensibly healthy population. It had not been previously curated by ICSL or reported in the Human Gene Mutation Database (HGMD: prior to June 1st, 2018), and was therefore a candidate for classification through an automated scoring system. Utilizing variant allele frequency, disease prevalence and penetrance estimates, and inheritance mode, an automated score was calculated to assess if this variant is too frequent to cause the disease. Based on the score and internal cut-off values, a variant classified as likely benign is not then subjected to further curation. The score for this variant resulted in a classification of likely benign for this disease.

GeneDx
Classification: Benign. Last evaluated: 2016-07-19. Review status: criteria provided, single submitter. Criteria: GeneDx Variant Classification (06012015). Collection method: clinical testing. Allele origin: germline. Affected: yes.
Comment: This variant is considered likely benign or benign based on one or more of the following criteria: it is a conservative change, it occurs at a poorly conserved position in the protein, it is predicted to be benign by multiple in silico algorithms, and/or has population frequency not consistent with disease.

Breakthrough Genomics
Classification: Likely benign. Review status: criteria provided, single submitter. Criteria: ACMG Guidelines, 2015. Collection method: not provided. Allele origin: germline. Inheritance: Autosomal recessive inheritance. Affected: yes.

PreventionGenetics, part of Exact Sciences
Classification: Benign for PIGO-related condition. Last evaluated: 2019-04-23. Review status: no assertion criteria provided. Collection method: clinical testing. Allele origin: germline. Not counted in ClinVar's aggregate classification.
Comment: This variant is classified as benign based on ACMG/AMP sequence variant interpretation guidelines (Richards et al. 2015 PMID: 25741868, with internal and published modifications).

NM_032634.4(PIGO):c.1473G>C (p.Leu491=)

Gene: PIGO (phosphatidylinositol glycan anchor biosynthesis class O; minus strand). Cytogenetic location: 9p13.3.
Variant type: single nucleotide variant.
Coding change: c.1473G>C on transcript NM_032634.4 (MANE Select); coding-DNA position 1473, G replaced by C.
Protein change: p.Leu491=; no amino-acid change (leucine 491 retained).
Molecular consequence: synonymous variant. On other transcripts: intron variant (2).
Genome position (GRCh38, 1-based): chr9:35,092,414, C>G on the plus strand (G>C on the coding strand, the complement: PIGO is on the minus strand). VCF-style: chr9-35092414-C-G. GRCh37 (hg19) VCF-style: chr9-35092411-C-G.
Other names: c.1344+129G>C (NM_152850.4, NM_001201484.2).
Identifiers: ClinVar variation 382941 (VCV000382941.54), dbSNP rs76932500, ClinGen allele CA5040625.
Genomic context (GRCh38, chr9:35,092,414, plus strand): 5'-CACTAGATCTAGCTTCAGCTCAATAGTTCCCAGGAGTCCAGCATACGCTATGGCCCCAAC[C>G]AGGCCCCAGGCCACAGGTGTCAGGAGTAGAGGGCAGAATGGAAAGCCTGGGGATATTGCC-3'
Protein context (NP_116023.2, residues 481-501): PLLLTPVAWG[Leu491=]VGAIAYAGLL